The following is an entry in ClinVar:

NM_182931.3(KMT2E):c.5036del (p.Pro1679fs)

Gene: KMT2E (lysine methyltransferase 2E (inactive); plus strand). Cytogenetic location: 7q22.3.
Variant type: Deletion.
Coding change: c.5036del on transcript NM_182931.3 (MANE Select); coding-DNA position 5036, one base deleted (C; older notation c.5036delC).
Protein change: p.Pro1679fs; shifts the reading frame from proline 1679.
Molecular consequence: frameshift variant.
Genome position (GRCh38, 1-based): chr7:105,112,792, C deleted; the last of 5 consecutive C bases (chr7:105,112,788-105,112,792); deleting any one gives the same sequence. VCF-style (leftmost placement, unchanged base first): chr7-105112787-AC-A. GRCh37 (hg19) VCF-style: chr7-104753234-AC-A.
Other names: c.4910delC, p.Pro1637Hisfs (NM_001410908.1); c.5036del, p.Pro1679fs (NM_018682.4); short protein forms P1679fs.
Identifiers: ClinVar variation 1803638 (VCV001803638.2), dbSNP rs1562938346, ClinGen allele CA2580076104.
Genomic context (GRCh38, chr7:105,112,787, plus strand): 5'-GCCTGTTCATGCGGTCACCCCTGGGTCGCATATTCATTCTCAAACTGCTGGACACCACTT[AC>A]CCCCACCCCCACCCCCTCCTGGTCCTGCCCCTCATCACCATCCACCACCCCATCCATCCA-3'

ClinVar aggregate classification (germline): Pathogenic (1 of 4 stars; one submission).

Submission:

GeneDx
Classification: Pathogenic. Last evaluated: 2026-04-25. Review status: criteria provided, single submitter. Criteria: GeneDx Variant Classification Process June 2021. Collection method: clinical testing. Allele origin: germline.
Comment: Frameshift variant predicted to result in abnormal protein length as the last 180 amino acid(s) are replaced with 32 different amino acid(s), and other similar variants have been reported in HGMD; Not observed at significant frequency in large population cohorts (gnomAD); Has not been previously published as pathogenic or benign to our knowledge